The following is an entry in ClinVar:

ClinVar aggregate classification (germline): Conflicting classifications of pathogenicity. Review status: criteria provided, conflicting classifications (1 of 4 stars). 4 submissions from 4 submitters: Uncertain significance (3); Likely benign (1). Last evaluated 2025-12-22.

Conditions:
Familial thoracic aortic aneurysm and aortic dissection (TAAD). Also called: Thoracic aortic aneurysms and dissections. Identifiers: Orphanet 91387, MedGen C4707243, MONDO:0019625.
Marfan syndrome (MFS). Also called: Marfan syndrome, classic; Marfan syndrome type 1; Marfan's syndrome; FBN1-Related Marfan Syndrome; MARFAN SYNDROME, TYPE I. Identifiers: Orphanet 284963, Orphanet 558, MedGen C0024796, MONDO:0007947, OMIM 154700.

Allele frequency attached by ClinVar (database versions not stated): ExAC 0.00001; gnomAD exomes 0.00002; gnomAD 0.00003; TOPMed 0.00003; ESP Exome Variant Server 0.00008; 1000 Genomes Project 30x 0.00016; 1000 Genomes Project 0.00020.
gnomAD v4.1: 8 of 1,613,522 alleles (0.0005%); highest among the groups gnomAD compares: African/African-American, 0.0053%; no homozygotes.

Submissions (4):

Labcorp Genetics (formerly Invitae), Labcorp
Classification: Likely benign for Marfan syndrome; Familial thoracic aortic aneurysm and aortic dissection. Last evaluated: 2025-12-22. Review status: criteria provided, single submitter. Criteria: Invitae Variant Classification Sherloc (09022015). Collection method: clinical testing. Allele origin: germline.

GeneDx
Classification: Uncertain significance. Last evaluated: 2025-03-25. Review status: criteria provided, single submitter. Criteria: GeneDx Variant Classification Process June 2021. Collection method: clinical testing. Allele origin: germline. Affected: yes.
Comment: Not observed at significant frequency in large population cohorts (gnomAD); In silico analysis indicates that this missense variant does not alter protein structure/function; Has not been previously published as pathogenic or benign to our knowledge; Does not affect a cysteine or calcium-binding residue within an EGF-like domain or a TGF-binding protein domain of the FBN1 gene; cysteine substitutions in the EGF-like domains represent the majority of pathogenic missense changes associated with FBN1-related disorders (PMID: 12938084); This variant is associated with the following publications: (PMID: 12938084, 11875032)

Ambry Genetics
Classification: Uncertain significance for Familial thoracic aortic aneurysm and aortic dissection. Last evaluated: 2021-11-12. Review status: criteria provided, single submitter. Criteria: Ambry Variant Classification Scheme 2023. Collection method: clinical testing. Allele origin: germline.
Comment: The p.Y2113F variant (also known as c.6338A>T), located in coding exon 51 of the FBN1 gene, results from an A to T substitution at nucleotide position 6338. The tyrosine at codon 2113 is replaced by phenylalanine, an amino acid with highly similar properties. This variant was detected in a control individual; however, details were limited (Ng PC et al. Genome Res, 2002 Mar;12:436-46). This amino acid position is not well conserved in available vertebrate species. In addition, this alteration is predicted to be tolerated by in silico analysis. Since supporting evidence is limited at this time, the clinical significance of this alteration remains unclear.

Color Diagnostics, LLC DBA Color Health
Classification: Uncertain significance for Familial thoracic aortic aneurysm and aortic dissection. Last evaluated: 2020-04-13. Review status: criteria provided, single submitter. Criteria: ACMG Guidelines, 2015. Collection method: clinical testing. Allele origin: germline.
Comment: This missense variant replaces tyrosine with phenylalanine at codon 2113 of the FBN1 protein. Computational prediction suggests that this variant may not impact protein structure and function (internally defined REVEL score threshold <= 0.5, PMID: 27666373). To our knowledge, functional studies have not been reported for this variant. This variant has not been reported in individuals affected with cardiovascular disorders in the literature. This variant has been identified in 4/250594 chromosomes in the general population by the Genome Aggregation Database (gnomAD). The available evidence is insufficient to determine the role of this variant in disease conclusively. Therefore, this variant is classified as a Variant of Uncertain Significance.

Literature cited by the submitters: PubMed 11875032 (cited by Ambry Genetics).

NM_000138.5(FBN1):c.6338A>T (p.Tyr2113Phe)

Gene: FBN1 (fibrillin 1; minus strand). Cytogenetic location: 15q21.1.
Variant type: single nucleotide variant.
Coding change: c.6338A>T on transcript NM_000138.5 (MANE Select); coding-DNA position 6338, A replaced by T.
Protein change: p.Tyr2113Phe; replaces tyrosine 2113 with phenylalanine.
Molecular consequence: missense variant.
Genome position (GRCh38, 1-based): chr15:48,437,363, T>A on the plus strand (A>T on the coding strand, the complement: FBN1 is on the minus strand). VCF-style: chr15-48437363-T-A. GRCh37 (hg19) VCF-style: chr15-48729560-T-A.
Other names: short protein forms Y2113F.
Identifiers: ClinVar variation 924256 (VCV000924256.9), dbSNP rs363816, ClinGen allele CA056617.
Genomic context (GRCh38, chr15:48,437,363, plus strand): 5'-TCCAGCACAGGCAACTGACCAACTGCTGAATCATCAGGTCCCACGATGATCCCACTTCCA[T>A]AAGGACATATCTGGCGGAAGGCCTCTGTGGTGGAGACACTCATTAATAGATAGAACAATA-3'
Protein context (NP_000129.3, residues 2103-2123): PDEAFRQICP[Tyr2113Phe]GSGIIVGPDD